The following is an entry in ClinVar:

ClinVar aggregate classification (germline): Uncertain significance (1 of 4 stars; one submission).

Conditions:
Autoimmune interstitial lung disease-arthritis syndrome. Also called: Autoinflammation and autoimmunity, systemic, with immune dysregulation. Identifiers: Orphanet 444092, MedGen C5975714, MONDO:0014629.

Submission:

Labcorp Genetics (formerly Invitae), Labcorp
Classification: Uncertain significance for Autoimmune interstitial lung, joint, and kidney disease. Last evaluated: 2019-03-26. Review status: criteria provided, single submitter. Criteria: Invitae Variant Classification Sherloc (09022015). Collection method: clinical testing. Allele origin: germline.
Comment: This sequence change affects codon 330 of the COPA mRNA. It is a 'silent' change, meaning that it does not change the encoded amino acid sequence of the COPA protein. This variant is not present in population databases (ExAC no frequency). This variant has not been reported in the literature in individuals with COPA-related conditions. Algorithms developed to predict the effect of sequence changes on RNA splicing suggest that this variant may create or strengthen a splice site, but this prediction has not been confirmed by published transcriptional studies. In summary, the available evidence is currently insufficient to determine the role of this variant in disease. Therefore, it has been classified as a Variant of Uncertain Significance.

NM_004371.4(COPA):c.990C>T (p.Gly330=)

Gene: COPA (coat protein complex I subunit alpha; minus strand). Cytogenetic location: 1q23.2.
Variant type: single nucleotide variant.
Coding change: c.990C>T on transcript NM_004371.4 (MANE Select); coding-DNA position 990, C replaced by T.
Protein change: p.Gly330=; no amino-acid change (glycine 330 retained).
Molecular consequence: synonymous variant.
Genome position (GRCh38, 1-based): chr1:160,311,954, G>A on the plus strand (C>T on the coding strand, the complement: COPA is on the minus strand). VCF-style: chr1-160311954-G-A. GRCh37 (hg19) VCF-style: chr1-160281744-G-A.
Other names: c.990C>T, p.Gly330= (NM_001098398.2).
Identifiers: ClinVar variation 862777 (VCV000862777.1), dbSNP rs1658980972, ClinGen allele CA421353880.
Genomic context (GRCh38, chr1:160,311,954, plus strand): 5'-TTTGGAGCTGTTGAAATCCAGCTGTCGTAAGAATCGGTCCTTGACATAGTGTAGCATATT[G>A]CCATGAACAGCATAGGCTGGCCGTTCCCGTTCCAGCTTAAACACAATCATACCACCATCA-3'
Protein context (NP_004362.2, residues 320-340): ERERPAYAVH[Gly330=]NMLHYVKDRF